The following is an entry in ClinVar:

ClinVar aggregate classification (germline): Uncertain significance (1 of 4 stars; one submission).

Submission:

Labcorp Genetics (formerly Invitae), Labcorp
Classification: Uncertain significance. Last evaluated: 2021-12-23. Review status: criteria provided, single submitter. Criteria: Invitae Variant Classification Sherloc (09022015). Collection method: clinical testing. Allele origin: germline.
Comment: In summary, the available evidence is currently insufficient to determine the role of this variant in disease. Therefore, it has been classified as a Variant of Uncertain Significance. Advanced modeling of protein sequence and biophysical properties (such as structural, functional, and spatial information, amino acid conservation, physicochemical variation, residue mobility, and thermodynamic stability) performed at Invitae indicates that this missense variant is not expected to disrupt CNGB1 protein function. This variant has not been reported in the literature in individuals affected with CNGB1-related conditions. This variant is not present in population databases (gnomAD no frequency). This sequence change replaces leucine, which is neutral and non-polar, with proline, which is neutral and non-polar, at codon 479 of the CNGB1 protein (p.Leu479Pro).

NM_001297.5(CNGB1):c.1436T>C (p.Leu479Pro)

Gene: CNGB1 (cyclic nucleotide gated channel subunit beta 1; minus strand). Cytogenetic location: 16q21.
Variant type: single nucleotide variant.
Coding change: c.1436T>C on transcript NM_001297.5 (MANE Select); coding-DNA position 1436, T replaced by C.
Protein change: p.Leu479Pro; replaces leucine 479 with proline.
Molecular consequence: missense variant.
Genome position (GRCh38, 1-based): chr16:57,931,815, A>G on the plus strand (T>C on the coding strand, the complement: CNGB1 is on the minus strand). VCF-style: chr16-57931815-A-G. GRCh37 (hg19) VCF-style: chr16-57965719-A-G.
Other names: c.1418T>C, p.Leu473Pro (NM_001286130.2); short protein forms L473P, L479P.
Identifiers: ClinVar variation 1971928 (VCV001971928.5), dbSNP rs2544647445, ClinGen allele CA396070815.